The following is an entry in ClinVar:

NM_004738.5(VAPB):c.-5G>A

Gene: VAPB (VAMP associated protein B and C; plus strand). Cytogenetic location: 20q13.32.
Variant type: single nucleotide variant.
Coding change: c.-5G>A on transcript NM_004738.5 (MANE Select); 5 bases upstream of the start codon, G replaced by A.
Molecular consequence: 5 prime UTR variant. On other transcripts: non-coding transcript variant (1).
Genome position (GRCh38, 1-based): chr20:58,389,455, G>A. VCF-style: chr20-58389455-G-A. GRCh37 (hg19) VCF-style: chr20-56964511-G-A.
Other names: c.-5G>A (NM_001195677.2).
Identifiers: ClinVar variation 3353298 (VCV003353298.1).

ClinVar aggregate classification (germline): Likely benign (0 of 4 stars; one submission).

Conditions:
VAPB-related disorder. Also called: VAPB-related condition.

Submission:

PreventionGenetics, part of Exact Sciences
Classification: Likely benign for VAPB-related condition. Last evaluated: 2022-12-12. Review status: no assertion criteria provided. Collection method: clinical testing. Allele origin: germline.
Comment: This variant is classified as likely benign based on ACMG/AMP sequence variant interpretation guidelines (Richards et al. 2015 PMID: 25741868, with internal and published modifications).